The following is an entry in ClinVar:

NM_182943.3(PLOD2):c.364C>T (p.Pro122Ser)

Genes: PLOD2 (procollagen-lysine,2-oxoglutarate 5-dioxygenase 2; minus strand), LOC129389144 (MPRA-validated peak4856 silencer; plus strand). Cytogenetic location: 3q24.
Variant type: single nucleotide variant.
Coding change: c.364C>T on transcript NM_182943.3 (MANE Select); coding-DNA position 364, C replaced by T.
Protein change: p.Pro122Ser; replaces proline 122 with serine.
Molecular consequence: missense variant.
Genome position (GRCh38, 1-based): chr3:146,110,423, G>A on the plus strand (C>T on the coding strand, the complement: PLOD2 is on the minus strand). VCF-style: chr3-146110423-G-A. GRCh37 (hg19) VCF-style: chr3-145828210-G-A.
Other names: c.364C>T, p.Pro122Ser (NM_000935.3); short protein forms P122S.
Identifiers: ClinVar variation 2158682 (VCV002158682.3), dbSNP rs766067972, ClinGen allele CA2655265.

ClinVar aggregate classification (germline): Uncertain significance (1 of 4 stars; one submission).

Allele frequency attached by ClinVar (database versions not stated): ExAC 0.00002; gnomAD exomes 0.00002.
gnomAD v4.1: 33 of 1,612,990 alleles (0.002%); highest among the groups gnomAD compares: Non-Finnish European, 0.00025%; no homozygotes.

Submission:

Labcorp Genetics (formerly Invitae), Labcorp
Classification: Uncertain significance. Last evaluated: 2022-03-14. Review status: criteria provided, single submitter. Criteria: Invitae Variant Classification Sherloc (09022015). Collection method: clinical testing. Allele origin: germline.
Comment: This sequence change replaces proline, which is neutral and non-polar, with serine, which is neutral and polar, at codon 122 of the PLOD2 protein (p.Pro122Ser). This variant is present in population databases (rs766067972, gnomAD 0.06%). This variant has not been reported in the literature in individuals affected with PLOD2-related conditions. Algorithms developed to predict the effect of missense changes on protein structure and function are either unavailable or do not agree on the potential impact of this missense change (SIFT: "Tolerated"; PolyPhen-2: "Probably Damaging"; Align-GVGD: "Class C0"). In summary, the available evidence is currently insufficient to determine the role of this variant in disease. Therefore, it has been classified as a Variant of Uncertain Significance.